The following is an entry in ClinVar:

NM_001308120.2(TOGARAM1):c.744G>A (p.Leu248=)

Gene: TOGARAM1 (TOG array regulator of axonemal microtubules 1; plus strand). Cytogenetic location: 14q21.2.
Variant type: single nucleotide variant.
Coding change: c.744G>A on transcript NM_001308120.2 (MANE Select); coding-DNA position 744, G replaced by A.
Protein change: p.Leu248=; no amino-acid change (leucine 248 retained).
Molecular consequence: synonymous variant. On other transcripts: non-coding transcript variant (1).
Genome position (GRCh38, 1-based): chr14:44,963,165, G>A. VCF-style: chr14-44963165-G-A. GRCh37 (hg19) VCF-style: chr14-45432368-G-A.
Other names: c.744G>A, p.Leu248= (NM_015091.4).
Identifiers: ClinVar variation 2644197 (VCV002644197.24), dbSNP rs376358743, ClinGen allele CA7166947.

ClinVar aggregate classification (germline): Likely benign (1 of 4 stars; one submission).

Allele frequency attached by ClinVar (database versions not stated): TOPMed 0.00003; ESP Exome Variant Server 0.00015; gnomAD 0.00090.
gnomAD v4.1: 621 of 1,614,082 alleles (0.038%); highest among the groups gnomAD compares: Non-Finnish European, 0.0047%; 5 homozygotes.

Submission:

CeGaT Center for Human Genetics Tuebingen
Classification: Likely benign. Last evaluated: 2026-04-01. Review status: criteria provided, single submitter. Criteria: CeGaT Center For Human Genetics Tuebingen Variant Classification Criteria Version 2. Collection method: clinical testing. Allele origin: germline. Affected: yes. Observed: 2 variant alleles.
Comment: TOGARAM1: BP4, BP7